The following is an entry in ClinVar:

NM_000512.5(GALNS):c.1483-32G>C

Gene: GALNS (galactosamine (N-acetyl)-6-sulfatase; minus strand). Cytogenetic location: 16q24.3.
Variant type: single nucleotide variant.
Coding change: c.1483-32G>C on transcript NM_000512.5 (MANE Select); 32 bases into the intron before coding-DNA position 1483, G replaced by C.
Molecular consequence: intron variant.
Genome position (GRCh38, 1-based): chr16:88,814,557, C>G on the plus strand (G>C on the coding strand, the complement: GALNS is on the minus strand). VCF-style: chr16-88814557-C-G. GRCh37 (hg19) VCF-style: chr16-88880965-C-G.
Other names: c.928-32G>C (NM_001323543.2); c.1501-32G>C (NM_001323544.2).
Identifiers: ClinVar variation 256332 (VCV000256332.5), dbSNP rs11076716, ClinGen allele CA8234645.

ClinVar aggregate classification (germline): Benign. Review status: criteria provided, multiple submitters, no conflicts (2 of 4 stars). 4 submissions from 4 submitters: Benign (4). Last evaluated 2021-11-07.

Conditions:
Mucopolysaccharidosis, MPS-IV-A (MPS4A). Also called: Mucopolysaccharidosis type IV A; Mucopolysaccharidosis Type IVA; GALACTOSAMINE-6-SULFATASE DEFICIENCY; GALNS DEFICIENCY; MORQUIO A DISEASE; mucopolysaccharidosis type 4A. Identifiers: Orphanet 309297, Orphanet 582, MedGen C0086651, MONDO:0009659, OMIM 253000.

Allele frequency attached by ClinVar (database versions not stated): ESP Exome Variant Server 0.16696; gnomAD 0.19802 and 0.20302; TOPMed 0.20398; ExAC 0.21714; 1000 Genomes Project 30x 0.24391; gnomAD exomes 0.25014; 1000 Genomes Project 0.25160.
gnomAD v4.1: 353,504 of 1,549,980 alleles (23%); highest among the groups gnomAD compares: East Asian, 54%; 43,264 homozygotes.

Submissions (4):

Genome-Nilou Lab
Classification: Benign for Mucopolysaccharidosis, MPS-IV-A. Last evaluated: 2021-11-07. Review status: criteria provided, single submitter. Criteria: ACMG Guidelines, 2015. Collection method: clinical testing. Allele origin: germline. Affected: no.

GeneDx
Classification: Benign. Last evaluated: 2018-06-19. Review status: criteria provided, single submitter. Criteria: GeneDx Variant Classification (06012015). Collection method: clinical testing. Allele origin: germline. Affected: yes.
Comment: This variant is considered likely benign or benign based on one or more of the following criteria: it is a conservative change, it occurs at a poorly conserved position in the protein, it is predicted to be benign by multiple in silico algorithms, and/or has population frequency not consistent with disease.

Breakthrough Genomics
Classification: Benign. Review status: criteria provided, single submitter. Criteria: ACMG Guidelines, 2015. Collection method: not provided. Allele origin: germline. Inheritance: Autosomal recessive inheritance. Affected: yes.

PreventionGenetics, part of Exact Sciences
Classification: Benign. Review status: criteria provided, single submitter. Criteria: ACMG Guidelines, 2015. Collection method: clinical testing. Allele origin: germline.